The following is an entry in ClinVar:

ClinVar aggregate classification (germline): Likely benign (1 of 4 stars; one submission).

Conditions:
Maturity-onset diabetes of the young type 7 (MODY7). Identifiers: Orphanet 552, MedGen C1864839, MONDO:0012513, OMIM 610508.

Allele frequency attached by ClinVar (database versions not stated): TOPMed 0.00010; 1000 Genomes Project 0.00040; 1000 Genomes Project 30x 0.00047.

Submission:

Illumina Laboratory Services, Illumina
Classification: Likely benign for Maturity-onset diabetes of the young type 7. Last evaluated: 2018-01-13. Review status: criteria provided, single submitter. Criteria: ICSL Variant Classification Criteria 13 December 2019. Collection method: clinical testing. Allele origin: germline.
Comment: This variant was observed in the ICSL laboratory as part of a predisposition screen in an ostensibly healthy population. It had not been previously curated by ICSL or reported in the Human Gene Mutation Database (HGMD: prior to June 1st, 2018), and was therefore a candidate for classification through an automated scoring system. Utilizing variant allele frequency, disease prevalence and penetrance estimates, and inheritance mode, an automated score was calculated to assess if this variant is too frequent to cause the disease. Based on the score and internal cut-off values, a variant classified as likely benign is not then subjected to further curation. The score for this variant resulted in a classification of likely benign for this disease.

NM_003597.5(KLF11):c.*122C>T

Gene: KLF11 (KLF transcription factor 11; plus strand). Cytogenetic location: 2p25.1.
Variant type: single nucleotide variant.
Coding change: c.*122C>T on transcript NM_003597.5 (MANE Select); 122 bases downstream of the stop codon, C replaced by T.
Molecular consequence: 3 prime UTR variant.
Genome position (GRCh38, 1-based): chr2:10,052,629, C>T. VCF-style: chr2-10052629-C-T. GRCh37 (hg19) VCF-style: chr2-10192756-C-T.
Other names: c.*122C>T (NM_001177716.2, NM_001177718.2).
Identifiers: ClinVar variation 892942 (VCV000892942.4), dbSNP rs576978858, ClinGen allele CA42434980.